The following is an entry in ClinVar:

NM_001363711.2(DUOX2):c.3781A>G (p.Lys1261Glu)

Gene: DUOX2 (dual oxidase 2; minus strand). Cytogenetic location: 15q21.1.
Variant type: single nucleotide variant.
Coding change: c.3781A>G on transcript NM_001363711.2 (MANE Select); coding-DNA position 3781, A replaced by G.
Protein change: p.Lys1261Glu; replaces lysine 1261 with glutamic acid.
Molecular consequence: missense variant.
Genome position (GRCh38, 1-based): chr15:45,097,304, T>C on the plus strand (A>G on the coding strand, the complement: DUOX2 is on the minus strand). VCF-style: chr15-45097304-T-C. GRCh37 (hg19) VCF-style: chr15-45389502-T-C.
Other names: c.3781A>G, p.Lys1261Glu (NM_014080.5); short protein forms K1261E.
Identifiers: ClinVar variation 4764307 (VCV004764307.1).

ClinVar aggregate classification (germline): Uncertain significance (1 of 4 stars; one submission).

gnomAD v4.1: 1 of 1,614,240 alleles (0.000062%); highest among the groups gnomAD compares: Non-Finnish European, 0.000085%; no homozygotes.

Submission:

Labcorp Genetics (formerly Invitae), Labcorp
Classification: Uncertain significance. Last evaluated: 2025-04-28. Review status: criteria provided, single submitter. Criteria: Invitae Variant Classification Sherloc (09022015). Collection method: clinical testing. Allele origin: germline.
Comment: This sequence change replaces lysine, which is basic and polar, with glutamic acid, which is acidic and polar, at codon 1261 of the DUOX2 protein (p.Lys1261Glu). This variant is present in population databases (no rsID available, gnomAD 0.002%). This variant has not been reported in the literature in individuals affected with DUOX2-related conditions. Invitae Evidence Modeling of protein sequence and biophysical properties (such as structural, functional, and spatial information, amino acid conservation, physicochemical variation, residue mobility, and thermodynamic stability) indicates that this missense variant is expected to disrupt DUOX2 protein function with a positive predictive value of 80%. In summary, the available evidence is currently insufficient to determine the role of this variant in disease. Therefore, it has been classified as a Variant of Uncertain Significance.